The following is an entry in ClinVar:

NM_024312.5(GNPTAB):c.3166A>T (p.Asn1056Tyr)

Gene: GNPTAB (N-acetylglucosamine-1-phosphate transferase subunits alpha and beta; minus strand). Cytogenetic location: 12q23.2.
Variant type: single nucleotide variant.
Coding change: c.3166A>T on transcript NM_024312.5 (MANE Select); coding-DNA position 3166, A replaced by T.
Protein change: p.Asn1056Tyr; replaces asparagine 1056 with tyrosine.
Molecular consequence: missense variant.
Genome position (GRCh38, 1-based): chr12:101,760,113, T>A on the plus strand (A>T on the coding strand, the complement: GNPTAB is on the minus strand). VCF-style: chr12-101760113-T-A. GRCh37 (hg19) VCF-style: chr12-102153891-T-A.
Other names: short protein forms N1056Y.
Identifiers: ClinVar variation 2070161 (VCV002070161.1), dbSNP rs749759865, ClinGen allele CA6746241.

ClinVar aggregate classification (germline): Uncertain significance (1 of 4 stars; one submission).

Conditions:
Pseudo-Hurler polydystrophy. Also called: MUCOLIPIDOSIS IIIA; ML III; ML III ALPHA/BETA; Type III Mucolipidosis; ML IIIA; Mucolipidosis III Alpha/Beta. Identifiers: Orphanet 423461, Orphanet 577, MedGen C0033788, MONDO:0018931, OMIM 252600.
Mucolipidosis type II. Also called: Mucolipidosis II Alpha/Beta; ML II ALPHA/BETA; Mucolipidosis 2; ML 2; Inclusion cell disease; Leroy Disease. Identifiers: Orphanet 576, MedGen C2673377, MONDO:0009650, OMIM 252500.

Allele frequency attached by ClinVar (database versions not stated): ExAC 0.00003; TOPMed 0.00004; gnomAD 0.00002; gnomAD exomes 0.00003.
gnomAD v4.1: 20 of 1,611,720 alleles (0.0012%); highest among the groups gnomAD compares: Admixed American, 0.02%; no homozygotes.

Submission:

Labcorp Genetics (formerly Invitae), Labcorp
Classification: Uncertain significance for Pseudo-Hurler polydystrophy; Mucolipidosis type II. Last evaluated: 2021-09-24. Review status: criteria provided, single submitter. Criteria: Invitae Variant Classification Sherloc (09022015). Collection method: clinical testing. Allele origin: germline.
Comment: This sequence change replaces asparagine with tyrosine at codon 1056 of the GNPTAB protein (p.Asn1056Tyr). The asparagine residue is highly conserved and there is a large physicochemical difference between asparagine and tyrosine. This variant is present in population databases (rs749759865, ExAC 0.03%). This variant has not been reported in the literature in individuals with GNPTAB-related disease. Algorithms developed to predict the effect of missense changes on protein structure and function (SIFT, PolyPhen-2, Align-GVGD) all suggest that this variant is likely to be disruptive, but these predictions have not been confirmed by published functional studies and their clinical significance is uncertain. In summary, the available evidence is currently insufficient to determine the role of this variant in disease. Therefore, it has been classified as a Variant of Uncertain Significance.